The following is an entry in ClinVar:

NM_173728.4(ARHGEF15):c.2466C>A (p.Asn822Lys)

Gene: ARHGEF15 (Rho guanine nucleotide exchange factor 15; plus strand). Cytogenetic location: 17p13.1.
Variant type: single nucleotide variant.
Coding change: c.2466C>A on transcript NM_173728.4 (MANE Select); coding-DNA position 2466, C replaced by A.
Protein change: p.Asn822Lys; replaces asparagine 822 with lysine.
Molecular consequence: missense variant.
Genome position (GRCh38, 1-based): chr17:8,320,933, C>A. VCF-style: chr17-8320933-C-A. GRCh37 (hg19) VCF-style: chr17-8224251-C-A.
Other names: c.2466C>A, p.Asn822Lys (NM_025014.2); short protein forms N822K.
Identifiers: ClinVar variation 1367325 (VCV001367325.9), dbSNP rs2151646991, ClinGen allele CA398026082.
Genomic context (GRCh38, chr17:8,320,933, plus strand): 5'-TGCCCAGCTGGTGTGTGAAGTCACAGGGGAACACGAAAGGAGGAGGCACCTTCGCCAGAA[C>A]CAGAGGCTTCTCGAGGCTGTTGGATCTTCTTCAGGCACCCCCAATGCCCCCCCACCCTAA-3'
Protein context (NP_776089.2, residues 812-832): EHERRRHLRQ[Asn822Lys]QRLLEAVGSS

ClinVar aggregate classification (germline): Uncertain significance (1 of 4 stars; one submission).

Conditions:
Early-infantile DEE. Also called: Early infantile epileptic encephalopathy with suppression bursts; Early infantile epileptic encephalopathy; Ohtahara syndrome. Identifiers: Orphanet 1934, MedGen C0393706, MONDO:0800491.

Submission:

Labcorp Genetics (formerly Invitae), Labcorp
Classification: Uncertain significance for Early-infantile DEE. Last evaluated: 2024-10-16. Review status: criteria provided, single submitter. Criteria: Invitae Variant Classification Sherloc (09022015). Collection method: clinical testing. Allele origin: germline.
Comment: This sequence change replaces asparagine, which is neutral and polar, with lysine, which is basic and polar, at codon 822 of the ARHGEF15 protein (p.Asn822Lys). This variant is not present in population databases (gnomAD no frequency). This variant has not been reported in the literature in individuals affected with ARHGEF15-related conditions. ClinVar contains an entry for this variant (Variation ID: 1367325). An algorithm developed to predict the effect of missense changes on protein structure and function (PolyPhen-2) suggests that this variant is likely to be tolerated. In summary, the available evidence is currently insufficient to determine the role of this variant in disease. Therefore, it has been classified as a Variant of Uncertain Significance.